The following is an entry in ClinVar:

GRCh37/hg19 22q11.21(chr22:21059669-21804716)x1

Genes: RIMBP3B (RIMS binding protein 3B; plus strand), AIFM3 (AIF family member 3; plus strand), CRKL (CRK like proto-oncogene, adaptor protein; plus strand), GGT2 (gamma-glutamyltransferase 2; minus strand), HIC2 (HIC ZBTB transcriptional repressor 2; plus strand) and 7 more. Cytogenetic location: 22q11.21.
Variant type: copy number loss.
Change: copy number 1 (one copy instead of two) of chr22:21,059,669-21,804,716 (745.0 kb, GRCh37 coordinates, 1-based), cytogenetic band 22q11.21.
Identifiers: ClinVar variation 1340046 (VCV001340046.3).

ClinVar aggregate classification (germline): Likely pathogenic (1 of 4 stars; one submission).

Submission:

Quest Diagnostics Nichols Institute San Juan Capistrano
Classification: Likely pathogenic. Last evaluated: 2025-01-17. Review status: criteria provided, single submitter. Criteria: ACMG/ClinGen CNV Guidelines, 2019. Collection method: clinical testing. Allele origin: unknown.
Comment: This copy number loss of 22q11.2 extends from low copy number repeats (LCRs) C to D and has been defined as the central 22q11.2 recurrent region (ISCA-37516).Individuals with this central 22q11.2 deletion have variable phenotypes (Burnside 2015), even within families. Additionally, a proportion of these deletions are inherited from an unaffected parent, suggesting incomplete penetrance. CRKL has been proposed as a gene of interest (Breckpot 2012, Lopez-Rivera 2017, Racedo 2015). Additionally, enrichment of this deletion in clinical populations vs. controls was found to be insignificant (p=0.3328; Coe 2014), and there are multiple similar copy number losses of this region in the general populations of the Database of Genomic Variants. Thus, this copy number loss is best described as a susceptibility locus with variable phenotypic expressivity and incomplete penetrance and is interpreted as likely pathogenic. References: Breckpot et al., Am J Med Genet A. 2012 Mar;158A(3):574-80. PMID: 22318985 Burnside et al., Cytogenet Genome Res. 2015;146(2):89-99. PMID: 26278718 Coe et al., Nat Genet. 2014 Oct;46(10):1063-71. PMID: 25217958 Lopez-Rivera et al., N Engl J Med. 2017 Feb 23;376(8):742-754. PMID: 28121514 Racedo et al., Am J Hum Genet. 2015 Feb 5;96(2):235-44. PMID: 25658046